The following is an entry in ClinVar:

NM_138295.5(PKD1L1):c.2676-9A>G

Gene: PKD1L1 (polycystin 1 like 1, transient receptor potential channel interacting; minus strand). Cytogenetic location: 7p12.3.
Variant type: single nucleotide variant.
Coding change: c.2676-9A>G on transcript NM_138295.5 (MANE Select); 9 bases into the intron before coding-DNA position 2676, A replaced by G.
Molecular consequence: intron variant.
Genome position (GRCh38, 1-based): chr7:47,888,159, T>C on the plus strand (A>G on the coding strand, the complement: PKD1L1 is on the minus strand). VCF-style: chr7-47888159-T-C. GRCh37 (hg19) VCF-style: chr7-47927757-T-C.
Identifiers: ClinVar variation 3055219 (VCV003055219.2), dbSNP rs190988943, ClinGen allele CA4253646.

ClinVar aggregate classification (germline): Likely benign (0 of 4 stars; one submission).

Conditions:
PKD1L1-related disorder. Also called: PKD1L1-related condition.

Allele frequency attached by ClinVar (database versions not stated): TOPMed below 0.00001; gnomAD 0.00001; ExAC 0.00002; gnomAD exomes 0.00005; 1000 Genomes Project 0.00040; 1000 Genomes Project 30x 0.00047.
gnomAD v4.1: 72 of 1,606,058 alleles (0.0045%); highest among the groups gnomAD compares: East Asian, 0.0067%; no homozygotes.

Submission:

PreventionGenetics, part of Exact Sciences
Classification: Likely benign for PKD1L1-related condition. Last evaluated: 2023-08-01. Review status: no assertion criteria provided. Collection method: clinical testing. Allele origin: germline.
Comment: This variant is classified as likely benign based on ACMG/AMP sequence variant interpretation guidelines (Richards et al. 2015 PMID: 25741868, with internal and published modifications).